The following is an entry in ClinVar:

ClinVar aggregate classification (germline): Uncertain significance (1 of 4 stars; one submission).

Submission:

Ambry Genetics
Classification: Uncertain significance. Last evaluated: 2025-08-29. Review status: criteria provided, single submitter. Criteria: Ambry Variant Classification Scheme 2023. Collection method: clinical testing. Allele origin: germline.
Comment: The p.Q1917E variant (also known as c.5749C>G), located in coding exon 23 of the WNK2 gene, results from a C to G substitution at nucleotide position 5749. The glutamine at codon 1917 is replaced by glutamic acid, an amino acid with highly similar properties. This amino acid position is conserved. In addition, this alteration is predicted to be tolerated by in silico analysis. Based on the available evidence, the clinical significance of this variant remains unclear.

NM_006648.4(WNK2):c.5749C>G (p.Gln1917Glu)

Gene: WNK2 (WNK lysine deficient protein kinase 2; plus strand). Cytogenetic location: 9q22.31.
Variant type: single nucleotide variant.
Coding change: c.5749C>G on transcript NM_006648.4 (MANE Select); coding-DNA position 5749, C replaced by G.
Protein change: p.Gln1917Glu; replaces glutamine 1917 with glutamic acid.
Molecular consequence: missense variant.
Genome position (GRCh38, 1-based): chr9:93,297,893, C>G. VCF-style: chr9-93297893-C-G. GRCh37 (hg19) VCF-style: chr9-96060175-C-G.
Other names: c.5860C>G, p.Gln1954Glu (NM_001282394.3); short protein forms Q1917E, Q1954E.
Identifiers: ClinVar variation 4201832 (VCV004201832.1).
Genomic context (GRCh38, chr9:93,297,893, plus strand): 5'-CCTCCTGTCCCCTCCTGCAGGCACCTGAAGGAGATCTCGGAGCTGCAGAGCCAGCAGAAG[C>G]AGGAGATCGAAGCTCTGTACCGCCGCCTGGGCAAGCCACTGCCCCCCAACGTGGGCTTCT-3'
Protein context (NP_006639.3, residues 1907-1927): EISELQSQQK[Gln1917Glu]EIEALYRRLG